The following is an entry in ClinVar:

NM_000440.3(PDE6A):c.1664del (p.Lys555fs)

Gene: PDE6A (phosphodiesterase 6A; minus strand). Cytogenetic location: 5q32.
Variant type: Deletion.
Coding change: c.1664del on transcript NM_000440.3 (MANE Select); coding-DNA position 1664, one base deleted (A; older notation c.1664delA).
Protein change: p.Lys555fs; shifts the reading frame from lysine 555.
Molecular consequence: frameshift variant.
Genome position (GRCh38, 1-based): chr5:149,895,247, T deleted on the plus strand (A on the coding strand, the reverse complement: PDE6A is on the minus strand); the first of 2 consecutive T bases (chr5:149,895,247-149,895,248); deleting either gives the same sequence. VCF-style (leftmost placement, unchanged base first): chr5-149895246-CT-C. GRCh37 (hg19) VCF-style: chr5-149274809-CT-C.
Other names: short protein forms K555fs.
Identifiers: ClinVar variation 1068664 (VCV001068664.7), dbSNP rs2113582639, ClinGen allele CA2499217727.

ClinVar aggregate classification (germline): Pathogenic (1 of 4 stars; one submission).

Submission:

Labcorp Genetics (formerly Invitae), Labcorp
Classification: Pathogenic. Last evaluated: 2022-07-12. Review status: criteria provided, single submitter. Criteria: Invitae Variant Classification Sherloc (09022015). Collection method: clinical testing. Allele origin: germline.
Comment: For these reasons, this variant has been classified as Pathogenic. Algorithms developed to predict the effect of sequence changes on RNA splicing suggest that this variant may disrupt the consensus splice site. ClinVar contains an entry for this variant (Variation ID: 1068664). This variant has not been reported in the literature in individuals affected with PDE6A-related conditions. This variant is not present in population databases (gnomAD no frequency). This sequence change creates a premature translational stop signal (p.Lys555Argfs*22) in the PDE6A gene. It is expected to result in an absent or disrupted protein product. Loss-of-function variants in PDE6A are known to be pathogenic (PMID: 7493036, 22128245, 23847139).

Literature cited by the submitters: PubMed 7493036; PubMed 22128245; PubMed 23847139.